The following is an entry in ClinVar:

NM_057175.5(NAA15):c.2473A>G (p.Arg825Gly)

Gene: NAA15 (N-alpha-acetyltransferase 15, NatA auxiliary subunit; plus strand). Cytogenetic location: 4q31.1.
Variant type: single nucleotide variant.
Coding change: c.2473A>G on transcript NM_057175.5 (MANE Select); coding-DNA position 2473, A replaced by G.
Protein change: p.Arg825Gly; replaces arginine 825 with glycine.
Molecular consequence: missense variant.
Genome position (GRCh38, 1-based): chr4:139,387,956, A>G. VCF-style: chr4-139387956-A-G. GRCh37 (hg19) VCF-style: chr4-140309110-A-G.
Other names: short protein forms R825G.
Identifiers: ClinVar variation 1700417 (VCV001700417.2), dbSNP rs2111013351, ClinGen allele CA358271184.

ClinVar aggregate classification (germline): Uncertain significance (1 of 4 stars; one submission).

Allele frequency attached by ClinVar (database versions not stated): gnomAD exomes below 0.00001.
gnomAD v4.1: 2 of 1,614,064 alleles (0.00012%); highest among the groups gnomAD compares: Non-Finnish European, 0.00017%; no homozygotes.

Submission:

GeneDx
Classification: Uncertain significance. Last evaluated: 2022-02-07. Review status: criteria provided, single submitter. Criteria: GeneDx Variant Classification Process June 2021. Collection method: clinical testing. Allele origin: germline. Affected: yes.
Comment: Not observed at significant frequency in large population cohorts (gnomAD); In silico analysis supports that this missense variant has a deleterious effect on protein structure/function; Has not been previously published as pathogenic or benign to our knowledge